The following is an entry in ClinVar:

NM_153240.5(NPHP3):c.2171+8G>A

Genes: NPHP3-ACAD11 (NPHP3-ACAD11 readthrough (NMD candidate); minus strand), NPHP3 (nephrocystin 3; minus strand). Cytogenetic location: 3q22.1.
Variant type: single nucleotide variant.
Coding change: c.2171+8G>A on transcript NM_153240.5 (MANE Select); 8 bases into the intron after coding-DNA position 2171, G replaced by A.
Molecular consequence: intron variant.
Genome position (GRCh38, 1-based): chr3:132,696,723, C>T on the plus strand (G>A on the coding strand, the complement: NPHP3 is on the minus strand). VCF-style: chr3-132696723-C-T. GRCh37 (hg19) VCF-style: chr3-132415567-C-T.
Other names: c.2171+8G>A (NM_153240.4).
Identifiers: ClinVar variation 1152273 (VCV001152273.11), dbSNP rs147825615, ClinGen allele CA2622098.

ClinVar aggregate classification (germline): Likely benign. Review status: criteria provided, single submitter (1 of 4 stars). 2 submissions from 2 submitters: Likely benign (1). 1 of the submissions does not count toward it. Last evaluated 2025-06-12.

Conditions:
Nephronophthisis. Also called: Juvenile Nephronophthisis. Identifiers: Orphanet 655, MedGen C0687120, MONDO:0019005, HP:0000090.
NPHP3-related disorder. Also called: NPHP3-related disorders; NPHP3-related condition. Identifiers: MedGen CN379163.

Allele frequency attached by ClinVar (database versions not stated): gnomAD exomes 0.00001 and 0.00002; ExAC 0.00002; TOPMed 0.00008; 1000 Genomes Project 30x 0.00016; 1000 Genomes Project 0.00020.
gnomAD v4.1: 24 of 1,613,122 alleles (0.0015%); highest among the groups gnomAD compares: African/African-American, 0.027%; no homozygotes.

Submissions (2):

Labcorp Genetics (formerly Invitae), Labcorp
Classification: Likely benign for Nephronophthisis. Last evaluated: 2025-06-12. Review status: criteria provided, single submitter. Criteria: Invitae Variant Classification Sherloc (09022015). Collection method: clinical testing. Allele origin: germline.

PreventionGenetics, part of Exact Sciences
Classification: Likely benign for NPHP3-related condition. Last evaluated: 2022-11-23. Review status: no assertion criteria provided. Collection method: clinical testing. Allele origin: germline. Not counted in ClinVar's aggregate classification.
Comment: This variant is classified as likely benign based on ACMG/AMP sequence variant interpretation guidelines (Richards et al. 2015 PMID: 25741868, with internal and published modifications).